The following is an entry in ClinVar:

NM_138409.4(MRAP2):c.496A>G (p.Ile166Val)

Gene: MRAP2 (melanocortin 2 receptor accessory protein 2; plus strand). Cytogenetic location: 6q14.2.
Variant type: single nucleotide variant.
Coding change: c.496A>G on transcript NM_138409.4 (MANE Select); coding-DNA position 496, A replaced by G.
Protein change: p.Ile166Val; replaces isoleucine 166 with valine.
Molecular consequence: missense variant.
Genome position (GRCh38, 1-based): chr6:84,089,359, A>G. VCF-style: chr6-84089359-A-G. GRCh37 (hg19) VCF-style: chr6-84799078-A-G.
Other names: c.238A>G, p.Ile80Val (NM_001346541.2); c.496A>G, p.Ile166Val (NM_001346542.2, NM_001346544.2); c.331A>G, p.Ile111Val (NM_001346543.2); short protein forms I111V, I166V, I80V.
Identifiers: ClinVar variation 3357490 (VCV003357490.1).

ClinVar aggregate classification (germline): Uncertain significance (0 of 4 stars; one submission).

Conditions:
MRAP2-related disorder. Also called: MRAP2-related condition.

gnomAD v4.1: 8 of 1,614,192 alleles (0.0005%); highest among the groups gnomAD compares: African/African-American, 0.004%; no homozygotes.

Submission:

PreventionGenetics, part of Exact Sciences
Classification: Uncertain significance for MRAP2-related condition. Last evaluated: 2024-04-16. Review status: no assertion criteria provided. Collection method: clinical testing. Allele origin: germline.
Comment: The MRAP2 c.496A>G variant is predicted to result in the amino acid substitution p.Ile166Val. To our knowledge, this variant has not been reported in the literature. This variant is reported in 0.011% of alleles in individuals of African descent in gnomAD. Although we suspect that this variant may be benign, at this time, the clinical significance of this variant is uncertain due to the absence of conclusive functional and genetic evidence.